The following is an entry in ClinVar:

ClinVar aggregate classification (germline): Pathogenic/Likely pathogenic. Review status: criteria provided, multiple submitters, no conflicts (2 of 4 stars). 2 submissions from 2 submitters: Pathogenic (1); Likely pathogenic (1). Last evaluated 2022-11-01.

Conditions:
COL1A2-related disorder. Also called: COL1A2-Related Disorders; COL1A2-related condition.
Osteogenesis imperfecta type I (OI1). Also called: Lobstein disease; Osteogenesis imperfecta type 1; OI, TYPE I; OSTEOGENESIS IMPERFECTA TARDA; OSTEOGENESIS IMPERFECTA WITH BLUE SCLERAE; Classic Non-deforming Osteogenesis Imperfecta with Blue Sclerae. Identifiers: Orphanet 216796, Orphanet 666, MedGen C0023931, MONDO:0008146, OMIM 166200. Disease mechanism: loss of function.
Ehlers-Danlos syndrome, classic type, 1 (EDSCL1). Also called: EHLERS-DANLOS SYNDROME, GRAVIS TYPE; EHLERS-DANLOS SYNDROME, SEVERE CLASSIC TYPE; Ehlers-Danlos syndrome, type 1; Ehlers-Danlos Syndrome, Classic Type, COL5A1-Related; EDS I. Identifiers: MedGen C0268335, MONDO:0019567, OMIM 130000.

Submissions (2):

Labcorp Genetics (formerly Invitae), Labcorp
Classification: Pathogenic for Osteogenesis imperfecta type I; Ehlers-Danlos syndrome, classic type, 1. Last evaluated: 2022-11-01. Review status: criteria provided, single submitter. Criteria: Invitae Variant Classification Sherloc (09022015). Collection method: clinical testing. Allele origin: germline.
Comment: This variant is not present in population databases (gnomAD no frequency). This missense change has been observed in individual(s) with osteogenesis imperfecta (Invitae). ClinVar contains an entry for this variant (Variation ID: 1404738). Advanced modeling of protein sequence and biophysical properties (such as structural, functional, and spatial information, amino acid conservation, physicochemical variation, residue mobility, and thermodynamic stability) performed at Invitae indicates that this missense variant is expected to disrupt COL1A2 protein function. This variant disrupts the triple helix domain of COL1A2. Glycine residues within the Gly-Xaa-Yaa repeats of the triple helix domain are required for the structure and stability of fibrillar collagens (PMID: 7695699, 8218237, 19344236). In COL1A2, variants affecting these glycine residues are significantly enriched in individuals with disease (PMID: 9016532, 17078022) compared to the general population (ExAC). For these reasons, this variant has been classified as Pathogenic. This sequence change replaces glycine, which is neutral and non-polar, with serine, which is neutral and polar, at codon 811 of the COL1A2 protein (p.Gly811Ser).

Blueprint Genetics
Classification: Likely pathogenic for COL1A2-related disorders. Last evaluated: 2020-12-28. Review status: criteria provided, single submitter. Criteria: ACMG Guidelines, 2015. Collection method: clinical testing. Allele origin: germline. Affected: yes. Observed: 1 variant allele.

Literature cited by the submitters: PubMed 7695699 (cited by Labcorp Genetics (formerly Invitae), Labcorp); PubMed 8218237 (cited by Labcorp Genetics (formerly Invitae), Labcorp); PubMed 19344236 (cited by Labcorp Genetics (formerly Invitae), Labcorp); PubMed 9016532 (cited by Labcorp Genetics (formerly Invitae), Labcorp); PubMed 17078022 (cited by Labcorp Genetics (formerly Invitae), Labcorp).

NM_000089.4(COL1A2):c.2431G>A (p.Gly811Ser)

Gene: COL1A2 (collagen type I alpha 2 chain; plus strand). Cytogenetic location: 7q21.3.
Variant type: single nucleotide variant.
Coding change: c.2431G>A on transcript NM_000089.4 (MANE Select); coding-DNA position 2431, G replaced by A.
Protein change: p.Gly811Ser; replaces glycine 811 with serine.
Molecular consequence: missense variant.
Genome position (GRCh38, 1-based): chr7:94,422,984, G>A. VCF-style: chr7-94422984-G-A. GRCh37 (hg19) VCF-style: chr7-94052296-G-A.
Other names: short protein forms G811S.
Identifiers: ClinVar variation 1404738 (VCV001404738.9), dbSNP rs2115940948, ClinGen allele CA368223917.
Genomic context (GRCh38, chr7:94,422,984, plus strand): 5'-AGAAAGGAAATGACCTTGTACATTTGCTCATAGGGTATTTCTGGCCCTCCTGGTCCCCCT[G>A]GTCCTGCTGGGAAAGAAGGGCTTCGTGGTCCTCGTGGTGACCAAGGTCCAGTTGGCCGAA-3'
Protein context (NP_000080.2, residues 801-821): SGISGPPGPP[Gly811Ser]PAGKEGLRGP